The following is an entry in ClinVar:

ClinVar aggregate classification (germline): Uncertain significance. Review status: criteria provided, multiple submitters, no conflicts (2 of 4 stars). 2 submissions from 2 submitters: Uncertain significance (2). Last evaluated 2024-02-06.

Allele frequency attached by ClinVar (database versions not stated): gnomAD exomes below 0.00001.
gnomAD v4.1: 1 of 1,614,114 alleles (0.000062%); highest among the groups gnomAD compares: Non-Finnish European, 0.000085%; no homozygotes.

Submissions (2):

GeneDx
Classification: Uncertain significance. Last evaluated: 2024-02-06. Review status: criteria provided, single submitter. Criteria: GeneDx Variant Classification Process June 2021. Collection method: clinical testing. Allele origin: germline. Affected: yes.
Comment: Not observed at significant frequency in large population cohorts (gnomAD); In silico analysis supports that this missense variant does not alter protein structure/function; Has not been previously published as pathogenic or benign to our knowledge

Labcorp Genetics (formerly Invitae), Labcorp
Classification: Uncertain significance. Last evaluated: 2023-01-10. Review status: criteria provided, single submitter. Criteria: Invitae Variant Classification Sherloc (09022015). Collection method: clinical testing. Allele origin: germline.
Comment: ClinVar contains an entry for this variant (Variation ID: 1806564). This variant has not been reported in the literature in individuals affected with NTRK2-related conditions. This variant is not present in population databases (gnomAD no frequency). This sequence change replaces serine, which is neutral and polar, with threonine, which is neutral and polar, at codon 260 of the NTRK2 protein (p.Ser260Thr). Advanced modeling of protein sequence and biophysical properties (such as structural, functional, and spatial information, amino acid conservation, physicochemical variation, residue mobility, and thermodynamic stability) performed at Invitae indicates that this missense variant is not expected to disrupt NTRK2 protein function. In summary, the available evidence is currently insufficient to determine the role of this variant in disease. Therefore, it has been classified as a Variant of Uncertain Significance.

NM_006180.6(NTRK2):c.779G>C (p.Ser260Thr)

Gene: NTRK2 (neurotrophic receptor tyrosine kinase 2; plus strand). Cytogenetic location: 9q21.33.
Variant type: single nucleotide variant.
Coding change: c.779G>C on transcript NM_006180.6 (MANE Select); coding-DNA position 779, G replaced by C.
Protein change: p.Ser260Thr; replaces serine 260 with threonine.
Molecular consequence: missense variant.
Genome position (GRCh38, 1-based): chr9:84,724,282, G>C. VCF-style: chr9-84724282-G-C. GRCh37 (hg19) VCF-style: chr9-87339197-G-C.
Other names: c.779G>C, p.Ser260Thr (NM_001007097.3, NM_001018064.3, NM_001018065.2 and 19 more transcripts); c.311G>C, p.Ser104Thr (NM_001369535.1, NM_001369536.1, NM_001369550.1 and 2 more transcripts); short protein forms S104T, S260T.
Identifiers: ClinVar variation 1806564 (VCV001806564.5), dbSNP rs2132032823, ClinGen allele CA374007537.